The following is an entry in ClinVar:

NM_003482.4(KMT2D):c.2024C>T (p.Pro675Leu)

Gene: KMT2D (lysine methyltransferase 2D; minus strand). Cytogenetic location: 12q13.12.
Variant type: single nucleotide variant.
Coding change: c.2024C>T on transcript NM_003482.4 (MANE Select); coding-DNA position 2024, C replaced by T.
Protein change: p.Pro675Leu; replaces proline 675 with leucine.
Molecular consequence: missense variant.
Genome position (GRCh38, 1-based): chr12:49,051,659, G>A on the plus strand (C>T on the coding strand, the complement: KMT2D is on the minus strand). VCF-style: chr12-49051659-G-A. GRCh37 (hg19) VCF-style: chr12-49445442-G-A.
Other names: short protein forms P675L.
Identifiers: ClinVar variation 3730267 (VCV003730267.3).

ClinVar aggregate classification (germline): Uncertain significance. Review status: criteria provided, multiple submitters, no conflicts (2 of 4 stars). 2 submissions from 2 submitters: Uncertain significance (2). Last evaluated 2025-08-14.

Conditions:
Kabuki syndrome. Also called: Kabuki make-up syndrome; NIIKAWA-KUROKI SYNDROME. Identifiers: Orphanet 2322, MedGen C0796004, MONDO:0016512.
Inborn genetic diseases. Identifiers: MedGen C0950123, MeSH D030342.

Submissions (2):

Ambry Genetics
Classification: Uncertain significance for Inborn genetic diseases. Last evaluated: 2025-08-14. Review status: criteria provided, single submitter. Criteria: Ambry Variant Classification Scheme 2023. Collection method: clinical testing. Allele origin: germline.

Labcorp Genetics (formerly Invitae), Labcorp
Classification: Uncertain significance for Kabuki syndrome. Last evaluated: 2024-09-24. Review status: criteria provided, single submitter. Criteria: Invitae Variant Classification Sherloc (09022015). Collection method: clinical testing. Allele origin: germline.
Comment: This sequence change replaces proline, which is neutral and non-polar, with leucine, which is neutral and non-polar, at codon 675 of the KMT2D protein (p.Pro675Leu). This variant is not present in population databases (gnomAD no frequency). This variant has not been reported in the literature in individuals affected with KMT2D-related conditions. Invitae Evidence Modeling of protein sequence and biophysical properties (such as structural, functional, and spatial information, amino acid conservation, physicochemical variation, residue mobility, and thermodynamic stability) indicates that this missense variant is not expected to disrupt KMT2D protein function with a negative predictive value of 95%. In summary, the available evidence is currently insufficient to determine the role of this variant in disease. Therefore, it has been classified as a Variant of Uncertain Significance.